The following is an entry in ClinVar:

NM_001040108.2(MLH3):c.2568_2569del (p.Leu856fs)

Gene: MLH3 (mutL homolog 3; minus strand). Cytogenetic location: 14q24.3.
Variant type: Deletion.
Coding change: c.2568_2569del on transcript NM_001040108.2 (MANE Select); coding-DNA positions 2568 to 2569, 2 bases deleted (AT; older notation c.2568_2569delAT).
Protein change: p.Leu856fs; shifts the reading frame from leucine 856.
Molecular consequence: frameshift variant.
Genome position (GRCh38, 1-based): chr14:75,047,087-75,047,088, AT deleted on the plus strand (AT on the coding strand, the reverse complement: MLH3 is on the minus strand); deleting any 2 consecutive bases within chr14:75,047,087-75,047,089 gives the same sequence; the c. name uses the placement nearest the transcript's 3' end. VCF-style (leftmost placement, unchanged base first): chr14-75047086-GAT-G. GRCh37 (hg19) VCF-style: chr14-75513789-GAT-G.
Other names: c.2568_2569del, p.Leu856fs (NM_014381.3); short protein forms L856fs.
Identifiers: ClinVar variation 3616725 (VCV003616725.2).
Genomic context (GRCh38, chr14:75,047,086, plus strand): 5'-AATTTAGAGGCTAGTGATTCAGATGACTTCTCAAGGTCCAAAGGTTTTCTATTAAAGAGA[GAT>G]AACTCCTTCAGGGTCATAGGACTTTCTCTCAAACTAGGCATCTGTTGTTCTAAACAATCT-3'

ClinVar aggregate classification (germline): Uncertain significance (1 of 4 stars; one submission).

Conditions:
Colorectal cancer, hereditary nonpolyposis, type 7. Identifiers: Orphanet 144, MedGen C1858380, MONDO:0013725, OMIM 614385.

Submission:

Labcorp Genetics (formerly Invitae), Labcorp
Classification: Uncertain significance for Colorectal cancer, hereditary nonpolyposis, type 7. Last evaluated: 2024-05-07. Review status: criteria provided, single submitter. Criteria: Invitae Variant Classification Sherloc (09022015). Collection method: clinical testing. Allele origin: germline.
Comment: This sequence change creates a premature translational stop signal (p.Leu856Phefs*4) in the MLH3 gene. It is expected to result in an absent or disrupted protein product. However, the current clinical and genetic evidence is not sufficient to establish whether loss-of-function variants in MLH3 cause disease. This variant is not present in population databases (gnomAD no frequency). This variant has not been reported in the literature in individuals affected with MLH3-related conditions. In summary, the available evidence is currently insufficient to determine the role of this variant in disease. Therefore, it has been classified as a Variant of Uncertain Significance.